The following is an entry in ClinVar:

ClinVar aggregate classification (germline): Pathogenic (1 of 4 stars; one submission).

Submission:

Labcorp Genetics (formerly Invitae), Labcorp
Classification: Pathogenic. Last evaluated: 2024-03-13. Review status: criteria provided, single submitter. Criteria: Invitae Variant Classification Sherloc (09022015). Collection method: clinical testing. Allele origin: germline.
Comment: This sequence change creates a premature translational stop signal (p.Glu266*) in the HPS3 gene. It is expected to result in an absent or disrupted protein product. Loss-of-function variants in HPS3 are known to be pathogenic (PMID: 11590544). This variant is not present in population databases (gnomAD no frequency). This variant has not been reported in the literature in individuals affected with HPS3-related conditions. For these reasons, this variant has been classified as Pathogenic.

Literature cited by the submitters: PubMed 11590544.

NM_032383.5(HPS3):c.796G>T (p.Glu266Ter)

Gene: HPS3 (HPS3 biogenesis of lysosomal organelles complex 2 subunit 1; plus strand). Cytogenetic location: 3q24.
Variant type: single nucleotide variant.
Coding change: c.796G>T on transcript NM_032383.5 (MANE Select); coding-DNA position 796, G replaced by T.
Protein change: p.Glu266Ter; replaces glutamic acid 266 with a stop codon.
Molecular consequence: nonsense.
Genome position (GRCh38, 1-based): chr3:149,141,100, G>T. VCF-style: chr3-149141100-G-T. GRCh37 (hg19) VCF-style: chr3-148858887-G-T.
Other names: c.301G>T, p.Glu101Ter (NM_001308258.2); short protein forms E101*, E266*.
Identifiers: ClinVar variation 3645703 (VCV003645703.2).